The following is an entry in ClinVar:

NM_001099857.5(IKBKG):c.149C>T (p.Thr50Ile)

Gene: IKBKG (inhibitor of nuclear factor kappa B kinase regulatory subunit gamma; plus strand). Cytogenetic location: Xq28.
Variant type: single nucleotide variant.
Coding change: c.149C>T on transcript NM_001099857.5 (MANE Select); coding-DNA position 149, C replaced by T.
Protein change: p.Thr50Ile; replaces threonine 50 with isoleucine.
Molecular consequence: missense variant. On other transcripts: non-coding transcript variant (1).
Genome position (GRCh38, 1-based): chrX:154,552,151, C>T. VCF-style: chrX-154552151-C-T. GRCh37 (hg19) VCF-style: chrX-153780366-C-T.
Other names: c.353C>T, p.Thr118Ile (NM_001099856.6); c.149C>T, p.Thr50Ile (NM_001145255.4, NM_001321396.3, NM_001321397.3 and 5 more transcripts); short protein forms T118I, T50I.
Identifiers: ClinVar variation 4848511 (VCV004848511.1).

ClinVar aggregate classification (germline): Likely benign (1 of 4 stars; one submission).

Submission:

Women's Health and Genetics/Laboratory Corporation of America, LabCorp
Classification: Likely benign. Last evaluated: 2026-04-15. Review status: criteria provided, single submitter. Criteria: LabCorp Variant Classification Summary - May 2015. Collection method: clinical testing. Allele origin: germline.
Comment: Variant summary: IKBKG c.149C>T (p.Thr50Ile) results in a non-conservative amino acid change in the encoded protein sequence. Algorithms developed to predict the effect of missense changes on protein structure and function are either unavailable or do not agree on the potential impact of this missense change. The variant allele was found at a frequency of 1.2e-05 in 1188325 control chromosomes in the gnomAD database, including 1 homozygote and 6 hemizygotes. To our knowledge, no occurrence of c.149C>T in individuals affected with IKBKG-related conditions and no experimental evidence demonstrating its impact on protein function have been reported. No submitters have cited clinical-significance assessments for this variant to ClinVar. Based on the evidence outlined above, the variant was classified as likely benign.